The following is an entry in ClinVar:

ClinVar aggregate classification (germline): Uncertain significance. Review status: criteria provided, multiple submitters, no conflicts (2 of 4 stars). 2 submissions from 2 submitters: Uncertain significance (2). Last evaluated 2021-07-20.

Conditions:
Autosomal recessive ataxia, Beauce type. Also called: Spinocerebellar ataxia, autosomal recessive 8; ATAXIA, RECESSIVE, OF BEAUCE; SYNE1 Deficiency; SYNE1-Related Autosomal Recessive Cerebellar Ataxia. Identifiers: Orphanet 88644, MedGen C1853116, MONDO:0012549, OMIM 610743.
Emery-Dreifuss muscular dystrophy 4, autosomal dominant (EDMD4). Also called: EMERY-DREIFUSS MUSCULAR DYSTROPHY 4 WITH VARIABLE FEATURES. Identifiers: Orphanet 261, MedGen C2751807, MONDO:0013071, OMIM 612998.

gnomAD v4.1: 58 of 1,613,990 alleles (0.0036%); highest among the groups gnomAD compares: Non-Finnish European, 0.0049%; no homozygotes.

Submissions (2):

Labcorp Genetics (formerly Invitae), Labcorp
Classification: Uncertain significance for Emery-Dreifuss muscular dystrophy 4, autosomal dominant; Autosomal recessive ataxia, Beauce type. Last evaluated: 2021-07-20. Review status: criteria provided, single submitter. Criteria: Invitae Variant Classification Sherloc (09022015). Collection method: clinical testing. Allele origin: germline.
Comment: Algorithms developed to predict the effect of missense changes on protein structure and function output the following: SIFT: "Tolerated"; PolyPhen-2: "Benign"; Align-GVGD: "Class C0". The valine amino acid residue is found in multiple mammalian species, suggesting that this missense change does not adversely affect protein function. These predictions have not been confirmed by published functional studies and their clinical significance is uncertain. In summary, the available evidence is currently insufficient to determine the role of this variant in disease. Therefore, it has been classified as a Variant of Uncertain Significance. This sequence change replaces methionine with valine at codon 5223 of the SYNE1 protein (p.Met5223Val). The methionine residue is moderately conserved and there is a small physicochemical difference between methionine and valine. This variant has not been reported in the literature in individuals with SYNE1-related conditions. ClinVar contains an entry for this variant (Variation ID: 285051). This variant is present in population databases (rs768403781, ExAC 0.002%).

Eurofins Ntd Llc (ga)
Classification: Uncertain significance. Last evaluated: 2015-11-30. Review status: criteria provided, single submitter. Criteria: EGL Classification Definitions 2015. Collection method: clinical testing. Allele origin: germline. Observed: 1 variant allele, 1 heterozygote.

NM_182961.4(SYNE1):c.15880A>G (p.Met5294Val)

Gene: SYNE1 (spectrin repeat containing nuclear envelope protein 1; minus strand). Cytogenetic location: 6q25.2.
Variant type: single nucleotide variant.
Coding change: c.15880A>G on transcript NM_182961.4 (MANE Select); coding-DNA position 15880, A replaced by G.
Protein change: p.Met5294Val; replaces methionine 5294 with valine.
Molecular consequence: missense variant.
Genome position (GRCh38, 1-based): chr6:152,323,515, T>C on the plus strand (A>G on the coding strand, the complement: SYNE1 is on the minus strand). VCF-style: chr6-152323515-T-C. GRCh37 (hg19) VCF-style: chr6-152644650-T-C.
Other names: c.15667A>G, p.Met5223Val (NM_033071.5); short protein forms M5223V, M5294V.
Identifiers: ClinVar variation 285051 (VCV000285051.14), dbSNP rs768403781, ClinGen allele CA4055672.